The following is an entry in ClinVar:

NM_198578.4(LRRK2):c.368C>T (p.Thr123Ile)

Gene: LRRK2 (leucine rich repeat kinase 2; plus strand). Cytogenetic location: 12q12.
Variant type: single nucleotide variant.
Coding change: c.368C>T on transcript NM_198578.4 (MANE Select); coding-DNA position 368, C replaced by T.
Protein change: p.Thr123Ile; replaces threonine 123 with isoleucine.
Molecular consequence: missense variant.
Genome position (GRCh38, 1-based): chr12:40,235,646, C>T. VCF-style: chr12-40235646-C-T. GRCh37 (hg19) VCF-style: chr12-40629448-C-T.
Other names: c.368C>T (NM_198578.3); short protein forms T123I.
Identifiers: ClinVar variation 1463682 (VCV001463682.9), dbSNP rs1182341950, ClinGen allele CA384402703.

ClinVar aggregate classification (germline): Uncertain significance. Review status: criteria provided, multiple submitters, no conflicts (2 of 4 stars). 2 submissions from 2 submitters: Uncertain significance (2). Last evaluated 2024-11-05.

Conditions:
Inborn genetic diseases. Identifiers: MedGen C0950123, MeSH D030342.
Autosomal dominant Parkinson disease 8. Also called: LRRK2-Related Parkinson Disease; Parkinson disease 8; Parkinson disease 8, susceptibility to. Identifiers: Orphanet 411602, MedGen C1846862, MONDO:0011764, OMIM 607060.

Allele frequency attached by ClinVar (database versions not stated): gnomAD exomes below 0.00001.
gnomAD v4.1: 1 of 1,605,984 alleles (0.000062%); highest among the groups gnomAD compares: Non-Finnish European, 0.000085%; no homozygotes.

Submissions (2):

Ambry Genetics
Classification: Uncertain significance for Inborn genetic diseases. Last evaluated: 2024-11-05. Review status: criteria provided, single submitter. Criteria: Ambry Variant Classification Scheme 2023. Collection method: clinical testing. Allele origin: germline.
Comment: The p.T123I variant (also known as c.368C>T), located in coding exon 4 of the LRRK2 gene, results from a C to T substitution at nucleotide position 368. The threonine at codon 123 is replaced by isoleucine, an amino acid with similar properties. This amino acid position is conserved. In addition, this alteration is predicted to be tolerated by in silico analysis. Based on the available evidence, the clinical significance of this variant remains unclear.

Labcorp Genetics (formerly Invitae), Labcorp
Classification: Uncertain significance for Autosomal dominant Parkinson disease 8. Last evaluated: 2021-06-17. Review status: criteria provided, single submitter. Criteria: Invitae Variant Classification Sherloc (09022015). Collection method: clinical testing. Allele origin: germline.
Comment: In summary, the available evidence is currently insufficient to determine the role of this variant in disease. Therefore, it has been classified as a Variant of Uncertain Significance. Algorithms developed to predict the effect of missense changes on protein structure and function are either unavailable or do not agree on the potential impact of this missense change (SIFT: "Deleterious"; PolyPhen-2: "Benign"; Align-GVGD: "Class C0"). This variant has not been reported in the literature in individuals with LRRK2-related conditions. This variant is not present in population databases (ExAC no frequency). This sequence change replaces threonine with isoleucine at codon 123 of the LRRK2 protein (p.Thr123Ile). The threonine residue is moderately conserved and there is a moderate physicochemical difference between threonine and isoleucine.